The following is an entry in ClinVar:

NM_001267550.2(TTN):c.86683G>A (p.Val28895Met)

Genes: TTN (titin; minus strand), TTN-AS1 (TTN antisense RNA 1; plus strand). Cytogenetic location: 2q31.2.
Variant type: single nucleotide variant.
Coding change: c.86683G>A on transcript NM_001267550.2 (MANE Select); coding-DNA position 86683, G replaced by A.
Protein change: p.Val28895Met; replaces valine 28895 with methionine.
Molecular consequence: missense variant.
Genome position (GRCh38, 1-based): chr2:178,559,449, C>T on the plus strand (G>A on the coding strand, the complement: TTN is on the minus strand). VCF-style: chr2-178559449-C-T. GRCh37 (hg19) VCF-style: chr2-179424176-C-T.
Other names: p.V27254M:GTG>ATG; c.81760G>A, p.Val27254Met (NM_001256850.1); c.78979G>A, p.Val26327Met (NM_133378.4); c.59488G>A, p.Val19830Met (NM_003319.4); c.59863G>A, p.Val19955Met (NM_133432.3); c.60064G>A, p.Val20022Met (NM_133437.4); short protein forms V28895M, V26327M, V27254M, V19830M, V19955M, V20022M.
Identifiers: ClinVar variation 47456 (VCV000047456.33), dbSNP rs201290358, ClinGen allele CA141059.

ClinVar aggregate classification (germline): Conflicting classifications of pathogenicity. Review status: criteria provided, conflicting classifications (1 of 4 stars). 17 submissions from 13 submitters: Uncertain significance (1); Benign (10); Likely benign (6). Last evaluated 2026-09-21.

Conditions:
Dilated cardiomyopathy 1G (CMD1G). Identifiers: Orphanet 154, MedGen C1858763, MONDO:0011400, OMIM 604145.
Autosomal recessive limb-girdle muscular dystrophy type 2J (LGMDR10). Also called: Limb-girdle muscular dystrophy, type 2J; MUSCULAR DYSTROPHY, LIMB-GIRDLE, AUTOSOMAL RECESSIVE 10. Identifiers: Orphanet 140922, MedGen C1837342, MONDO:0012127, OMIM 608807.
Cardiovascular phenotype. Identifiers: MedGen CN230736.
Cardiomyopathy (CMYO). Also called: Cardiomyopathies. Identifiers: Orphanet 167848, MedGen C0878544, MONDO:0004994, HP:0001638. Inheritance: Various modes of inheritance.
Early-onset myopathy with fatal cardiomyopathy (CMYO5). Also called: Salih Myopathy; CONGENITAL MYOPATHY 5 WITH CARDIOMYOPATHY. Identifiers: Orphanet 289377, MedGen C2673677, MONDO:0012714, OMIM 611705. Disease mechanism: loss of function.
Myopathy, myofibrillar, 9, with early respiratory failure (MFM9). Also called: Hereditary myopathy with early respiratory failure; Myopathy, distal, with early respiratory failure, autosomal dominant; EDSTROM MYOPATHY; MYOPATHY, PROXIMAL, WITH EARLY RESPIRATORY MUSCLE INVOLVEMENT. Identifiers: Orphanet 178464, Orphanet 34521, MedGen C1863599, MONDO:0011362, OMIM 603689.
Tibial muscular dystrophy (TMD). Also called: Udd Distal Myopathy – Tibial Muscular Dystrophy; Tibial muscular dystrophy, tardive; UDD MYOPATHY. Identifiers: Orphanet 609, MedGen C1838244, MONDO:0010870, OMIM 600334.

Allele frequency attached by ClinVar (database versions not stated): gnomAD below 0.00001 and 0.00040; TOPMed 0.00006; gnomAD exomes 0.00073 and 0.00149; ExAC 0.00175; 1000 Genomes Project 30x 0.00281; 1000 Genomes Project 0.00300.
gnomAD v4.1: 1,128 of 1,613,720 alleles (0.07%); highest among the groups gnomAD compares: South Asian, 1.2%; 11 homozygotes.

Submissions (17):

Molecular Diagnostic Laboratory for Inherited Cardiovascular Disease, Montreal Heart Institute
Classification: Likely benign. Last evaluated: 2026-09-21. Review status: criteria provided, single submitter. Criteria: ACMG Guidelines, 2015. Collection method: clinical testing. Allele origin: germline. Affected: no.
Comment: BS1;BP1

Labcorp Genetics (formerly Invitae), Labcorp
Classification: Benign for Dilated cardiomyopathy 1G; Autosomal recessive limb-girdle muscular dystrophy type 2J. Last evaluated: 2026-01-28. Review status: criteria provided, single submitter. Criteria: Invitae Variant Classification Sherloc (09022015). Collection method: clinical testing. Allele origin: germline.

CeGaT Center for Human Genetics Tuebingen
Classification: Likely benign. Last evaluated: 2025-11-01. Review status: criteria provided, single submitter. Criteria: CeGaT Center For Human Genetics Tuebingen Variant Classification Criteria Version 2. Collection method: clinical testing. Allele origin: germline. Affected: yes. Observed: 1 variant allele.
Comment: TTN: BS1

Blueprint Genetics
Classification: Benign. Last evaluated: 2024-11-13. Review status: criteria provided, single submitter. Criteria: ACMG Guidelines, 2015. Collection method: clinical testing. Allele origin: germline.

Women's Health and Genetics/Laboratory Corporation of America, LabCorp
Classification: Likely benign. Last evaluated: 2023-08-19. Review status: criteria provided, single submitter. Criteria: LabCorp Variant Classification Summary - May 2015. Collection method: clinical testing. Allele origin: germline.

Ambry Genetics
Classification: Benign for Cardiovascular phenotype. Last evaluated: 2019-08-29. Review status: criteria provided, single submitter. Criteria: Ambry Variant Classification Scheme 2023. Collection method: clinical testing. Allele origin: germline.

Illumina Laboratory Services, Illumina
Classification: Likely benign for Autosomal recessive limb-girdle muscular dystrophy type 2J. Last evaluated: 2018-01-13. Review status: criteria provided, single submitter. Criteria: ICSL Variant Classification Criteria 13 December 2019. Collection method: clinical testing. Allele origin: germline.
Comment: This variant was observed in the ICSL laboratory as part of a predisposition screen in an ostensibly healthy population. It had not been previously curated by ICSL or reported in the Human Gene Mutation Database (HGMD: prior to June 1st, 2018), and was therefore a candidate for classification through an automated scoring system. Utilizing variant allele frequency, disease prevalence and penetrance estimates, and inheritance mode, an automated score was calculated to assess if this variant is too frequent to cause the disease. Based on the score and internal cut-off values, a variant classified as likely benign is not then subjected to further curation. The score for this variant resulted in a classification of likely benign for this disease.

Illumina Laboratory Services, Illumina
Classification: Benign for Myopathy, myofibrillar, 9, with early respiratory failure. Last evaluated: 2018-01-13. Review status: criteria provided, single submitter. Criteria: ICSL Variant Classification Criteria 13 December 2019. Collection method: clinical testing. Allele origin: germline.
Comment: This variant was observed in the ICSL laboratory as part of a predisposition screen in an ostensibly healthy population. It had not been previously curated by ICSL or reported in the Human Gene Mutation Database (HGMD: prior to June 1st, 2018), and was therefore a candidate for classification through an automated scoring system. Utilizing variant allele frequency, disease prevalence and penetrance estimates, and inheritance mode, an automated score was calculated to assess if this variant is too frequent to cause the disease. Based on the score and internal cut-off values, a variant classified as benign is not then subjected to further curation. The score for this variant resulted in a classification of benign for this disease.

Illumina Laboratory Services, Illumina
Classification: Likely benign for Early-onset myopathy with fatal cardiomyopathy. Last evaluated: 2018-01-13. Review status: criteria provided, single submitter. Criteria: ICSL Variant Classification Criteria 13 December 2019. Collection method: clinical testing. Allele origin: germline.
Comment: the same text as in the submission from Illumina Laboratory Services, Illumina above.

Illumina Laboratory Services, Illumina
Classification: Benign for Tibial muscular dystrophy. Last evaluated: 2018-01-13. Review status: criteria provided, single submitter. Criteria: ICSL Variant Classification Criteria 13 December 2019. Collection method: clinical testing. Allele origin: germline.
Comment: the same text as in the submission from Illumina Laboratory Services, Illumina above.

Illumina Laboratory Services, Illumina
Classification: Likely benign for Dilated cardiomyopathy 1G. Last evaluated: 2018-01-13. Review status: criteria provided, single submitter. Criteria: ICSL Variant Classification Criteria 13 December 2019. Collection method: clinical testing. Allele origin: germline.
Comment: the same text as in the submission from Illumina Laboratory Services, Illumina above.

CHEO Genetics Diagnostic Laboratory, Children's Hospital of Eastern Ontario
Classification: Benign for Cardiomyopathy. Last evaluated: 2017-11-30. Review status: criteria provided, single submitter. Criteria: ACMG Guidelines, 2015. Collection method: clinical testing. Allele origin: germline.

Athena Diagnostics
Classification: Benign. Last evaluated: 2016-09-14. Review status: criteria provided, single submitter. Criteria: Athena Diagnostics Criteria. Collection method: clinical testing. Allele origin: germline.

Laboratory for Molecular Medicine, Mass General Brigham Personalized Medicine
Classification: Benign. Last evaluated: 2016-08-03. Review status: criteria provided, single submitter. Criteria: LMM Criteria. Collection method: clinical testing. Allele origin: germline. Observed: 3 variant alleles.
Comment: p.Val26327Met in exon 275 of TTN: This variant is not expected to have clinical significance because it has been identified in 1.3% (210/16506) of South Asian c hromosomes by the Exome Aggregation Consortium (ExAC .org; dbSNP rs201290358).

GeneDx
Classification: Benign. Last evaluated: 2016-06-16. Review status: criteria provided, single submitter. Criteria: GeneDx Variant Classification (06012015). Collection method: clinical testing. Allele origin: germline. Affected: yes.
Comment: This variant is considered likely benign or benign based on one or more of the following criteria: it is a conservative change, it occurs at a poorly conserved position in the protein, it is predicted to be benign by multiple in silico algorithms, and/or has population frequency not consistent with disease.

Eurofins Ntd Llc (ga)
Classification: Benign. Last evaluated: 2015-10-06. Review status: criteria provided, single submitter. Criteria: EGL Classification Definitions 2015. Collection method: clinical testing. Allele origin: germline. Observed: 1 variant allele, 1 heterozygote.

Biesecker Lab/Clinical Genomics Section, National Institutes of Health
Classification: Uncertain significance. Last evaluated: 2013-06-24. Review status: criteria provided, single submitter. Criteria: Ng et al. (Circ Cardiovasc Genet. 2013). Collection method: research. Allele origin: unknown. Observed: 1 variant allele. Study: ClinSeq.
Comment: The study set was not selected for affection status in relation to any cancer. Pathogenicity categories were based on literature curation. See Pubmed ID:23861362 for details.

Medical sequencing

Literature cited by the submitters: PubMed 23861362 (cited by Athena Diagnostics).